The following is an entry in ClinVar:

NM_001170629.2(CHD8):c.6311A>C (p.Glu2104Ala)

Gene: CHD8 (chromodomain helicase DNA binding protein 8; minus strand). Cytogenetic location: 14q11.2.
Variant type: single nucleotide variant.
Coding change: c.6311A>C on transcript NM_001170629.2 (MANE Select); coding-DNA position 6311, A replaced by C.
Protein change: p.Glu2104Ala; replaces glutamic acid 2104 with alanine.
Molecular consequence: missense variant.
Genome position (GRCh38, 1-based): chr14:21,393,484, T>G on the plus strand (A>C on the coding strand, the complement: CHD8 is on the minus strand). VCF-style: chr14-21393484-T-G. GRCh37 (hg19) VCF-style: chr14-21861643-T-G.
Other names: c.5474A>C, p.Glu1825Ala (NM_020920.4); short protein forms E1825A, E2104A.
Identifiers: ClinVar variation 1695641 (VCV001695641.2), dbSNP rs2139446702, ClinGen allele CA388879732.
Genomic context (GRCh38, chr14:21,393,484, plus strand): 5'-GAAGAGAGGGGGAAATAGGGAAGGGGGCCAACAGCCTGTCACATGCACTCACTTAGCTTC[T>G]CTTCCTTCTCATCCTCACTCTCATCAGTGCTGGAGCTGGAGCTGGATGAGGATGAGGAAG-3'
Protein context (NP_001164100.1, residues 2094-2114): STDESEDEKE[Glu2104Ala]KLTDQSRSKL

ClinVar aggregate classification (germline): Uncertain significance (1 of 4 stars; one submission).

Submission:

GeneDx
Classification: Uncertain significance. Last evaluated: 2022-01-06. Review status: criteria provided, single submitter. Criteria: GeneDx Variant Classification Process June 2021. Collection method: clinical testing. Allele origin: germline. Affected: yes.
Comment: Not observed at significant frequency in large population cohorts (gnomAD); In silico analysis supports that this missense variant does not alter protein structure/function; Has not been previously published as pathogenic or benign to our knowledge